The following is an entry in ClinVar:

ClinVar aggregate classification (germline): Benign. Review status: criteria provided, multiple submitters, no conflicts (2 of 4 stars). 2 submissions from 2 submitters: Benign (2). Last evaluated 2021-07-15.

Conditions:
Microcephaly-thin corpus callosum-intellectual disability syndrome (NEDFCF). Also called: NEURODEVELOPMENTAL DISORDER WITH FEEDING DIFFICULTIES, THIN CORPUS CALLOSUM, AND FOOT DEFORMITY; Intellectual developmental disorder, autosomal recessive 40. Identifiers: Orphanet 397951, MedGen C3810080, MONDO:0014273, OMIM 615599.

Allele frequency attached by ClinVar (database versions not stated): gnomAD 0.42754 and 0.42338; TOPMed 0.43089; gnomAD exomes 0.47796 and 0.49499; ESP Exome Variant Server 0.42834; ExAC 0.47445; 1000 Genomes Project 30x 0.39522; 1000 Genomes Project 0.39177.
gnomAD v4.1: 788,388 of 1,613,758 alleles (49%); highest among the groups gnomAD compares: Admixed American, 53%; 196,455 homozygotes.

Submissions (2):

Genome-Nilou Lab
Classification: Benign for Microcephaly-thin corpus callosum-intellectual disability syndrome. Last evaluated: 2021-07-15. Review status: criteria provided, single submitter. Criteria: ACMG Guidelines, 2015. Collection method: clinical testing. Allele origin: germline. Affected: no.

GeneDx
Classification: Benign. Last evaluated: 2018-12-26. Review status: criteria provided, single submitter. Criteria: GeneDx Variant Classification Process June 2021. Collection method: clinical testing. Allele origin: germline. Affected: yes.
Comment: This variant is associated with the following publications: (PMID: 33536423, 23064415, 24232574, 24990759, 9202145)

NM_001366285.2(TBXT):c.530G>A (p.Gly177Asp)

Gene: TBXT (T-box transcription factor T; minus strand). Cytogenetic location: 6q27.
Variant type: single nucleotide variant.
Coding change: c.530G>A on transcript NM_001366285.2 (MANE Select); coding-DNA position 530, G replaced by A.
Protein change: p.Gly177Asp; replaces glycine 177 with aspartic acid.
Molecular consequence: missense variant.
Genome position (GRCh38, 1-based): chr6:166,165,782, C>T on the plus strand (G>A on the coding strand, the complement: TBXT is on the minus strand). VCF-style: chr6-166165782-C-T. GRCh37 (hg19) VCF-style: chr6-166579270-C-T.
Other names: c.530G>A, p.Gly177Asp (NM_001270484.2, NM_001366286.2, NM_003181.4); short protein forms G177D.
Identifiers: ClinVar variation 1242832 (VCV001242832.4), dbSNP rs2305089, ClinGen allele CA4093060.